The following is an entry in ClinVar:

NM_018297.4(NGLY1):c.983G>A (p.Arg328His)

Gene: NGLY1 (N-glycanase 1; minus strand). Cytogenetic location: 3p24.2.
Variant type: single nucleotide variant.
Coding change: c.983G>A on transcript NM_018297.4 (MANE Select); coding-DNA position 983, G replaced by A.
Protein change: p.Arg328His; replaces arginine 328 with histidine.
Molecular consequence: missense variant.
Genome position (GRCh38, 1-based): chr3:25,737,354, C>T on the plus strand (G>A on the coding strand, the complement: NGLY1 is on the minus strand). VCF-style: chr3-25737354-C-T. GRCh37 (hg19) VCF-style: chr3-25778845-C-T.
Other names: c.857G>A, p.Arg286His (NM_001145294.2); c.983G>A, p.Arg328His (NM_001145295.2, NM_001145293.2); short protein forms R286H, R328H.
Identifiers: ClinVar variation 4854564 (VCV004854564.1).

ClinVar aggregate classification (germline): Uncertain significance (1 of 4 stars; one submission).

Conditions:
Congenital disorder of deglycosylation 1. Also called: NGLY1-Related Congenital Disorder of Deglycosylation; NGLY1-deficiency. Identifiers: Orphanet 404454, MedGen CN306977, MONDO:0800044, OMIM 615273.

gnomAD v4.1: 5 of 1,612,886 alleles (0.00031%); highest among the groups gnomAD compares: Middle Eastern, 0.016%; no homozygotes.

Submission:

3billion
Classification: Uncertain significance for Congenital disorder of deglycosylation 1. Last evaluated: 2026-01-13. Review status: criteria provided, single submitter. Criteria: ACMG Guidelines, 2015. Collection method: clinical testing. Allele origin: germline. Affected: yes.
Comment: The variant is observed at an extremely low frequency in the gnomAD v4.1.0 dataset (total allele frequency: <0.001%). Predicted Consequence/Location: Missense variant. The majority of the known disease-causing variants of this gene are variants expected to result in premature termination of the protein. In silico tool predictions suggest damaging effect of the variant on gene or gene product [REVEL: 0.81 (>=0.6, sensitivity 0.68 and specificity 0.92); 3Cnet: 0.99 (> 0.75, sensitivity 0.96 and precision 0.92)]. Different missense changes at the same codon (p.Arg328Cys, p.Arg328Gly) have been reported as pathogenic/likely pathogenic with strong evidence (ClinVar ID: VCV000984581 /PMID: 31965062, 33673403). Therefore, this variant is classified as VUS according to the recommendation of ACMG/AMP guideline.

Literature cited by the submitters: PubMed 31965062.